The following is an entry in ClinVar:

NM_001206927.2(DNAH8):c.9223G>A (p.Asp3075Asn)

Gene: DNAH8 (dynein axonemal heavy chain 8; plus strand). Cytogenetic location: 6p21.2.
Variant type: single nucleotide variant.
Coding change: c.9223G>A on transcript NM_001206927.2 (MANE Select); coding-DNA position 9223, G replaced by A.
Protein change: p.Asp3075Asn; replaces aspartic acid 3075 with asparagine.
Molecular consequence: missense variant.
Genome position (GRCh38, 1-based): chr6:38,906,282, G>A. VCF-style: chr6-38906282-G-A. GRCh37 (hg19) VCF-style: chr6-38874058-G-A.
Other names: c.9223G>A (NM_001206927.1); c.8572G>A, p.Asp2858Asn (NM_001371.4); short protein forms D3075N, D2858N.
Identifiers: ClinVar variation 1034421 (VCV001034421.8), dbSNP rs773209277, ClinGen allele CA3790437.

ClinVar aggregate classification (germline): Uncertain significance. Review status: criteria provided, multiple submitters, no conflicts (2 of 4 stars). 3 submissions from 3 submitters: Uncertain significance (3). Last evaluated 2025-02-25.

Conditions:
Primary ciliary dyskinesia. Also called: Ciliary dyskinesia. Identifiers: Orphanet 244, MedGen C0008780, MONDO:0016575, HP:0012265.

Allele frequency attached by ClinVar (database versions not stated): ExAC 0.00003; gnomAD 0.00003 and 0.00004; gnomAD exomes 0.00005; TOPMed 0.00006.
gnomAD v4.1: 91 of 1,600,252 alleles (0.0057%); highest among the groups gnomAD compares: Admixed American, 0.017%; no homozygotes.

Submissions (3):

Ambry Genetics
Classification: Uncertain significance. Last evaluated: 2025-02-25. Review status: criteria provided, single submitter. Criteria: Ambry Variant Classification Scheme 2023. Collection method: clinical testing. Allele origin: germline.

Blueprint Genetics
Classification: Uncertain significance. Last evaluated: 2024-03-06. Review status: criteria provided, single submitter. Criteria: ACMG Guidelines, 2015. Collection method: clinical testing. Allele origin: germline.

Labcorp Genetics (formerly Invitae), Labcorp
Classification: Uncertain significance for Primary ciliary dyskinesia. Last evaluated: 2021-08-28. Review status: criteria provided, single submitter. Criteria: Invitae Variant Classification Sherloc (09022015). Collection method: clinical testing. Allele origin: germline.
Comment: This sequence change replaces aspartic acid with asparagine at codon 3075 of the DNAH8 protein (p.Asp3075Asn). The aspartic acid residue is highly conserved and there is a small physicochemical difference between aspartic acid and asparagine. This variant is present in population databases (rs773209277, ExAC 0.02%). This variant has not been reported in the literature in individuals affected with DNAH8-related conditions. Experimental studies and prediction algorithms are not available or were not evaluated, and the functional significance of this variant is currently unknown. In summary, the available evidence is currently insufficient to determine the role of this variant in disease. Therefore, it has been classified as a Variant of Uncertain Significance.